The following is an entry in ClinVar:

NM_014521.3(SH3BP4):c.6G>A (p.Ala2=)

Gene: SH3BP4 (SH3 domain binding protein 4; plus strand). Cytogenetic location: 2q37.2.
Variant type: single nucleotide variant.
Coding change: c.6G>A on transcript NM_014521.3 (MANE Select); coding-DNA position 6, G replaced by A.
Protein change: p.Ala2=; no amino-acid change (alanine 2 retained).
Molecular consequence: synonymous variant.
Genome position (GRCh38, 1-based): chr2:235,035,008, G>A. VCF-style: chr2-235035008-G-A. GRCh37 (hg19) VCF-style: chr2-235943652-G-A.
Other names: c.6G>A, p.Ala2= (NM_001371302.1, NM_001371303.1, NM_001371304.1 and 2 more transcripts).
Identifiers: ClinVar variation 2652029 (VCV002652029.24), dbSNP rs201684842, ClinGen allele CA2183438.
Genomic context (GRCh38, chr2:235,035,008, plus strand): 5'-ACTGGAGGAAGAAATATGAAGCCTTAGCGGCTTTACCCGGGAAGCGAGTTTCGAGATGGC[G>A]GCTCAGCGGATCCGAGCGGCCAACTCCAATGGCCTCCCTCGCTGCAAGTCAGAGGGGACC-3'
Protein context (NP_055336.1, residues 1-12): M[Ala2=]AQRIRAANSN

ClinVar aggregate classification (germline): Likely benign (1 of 4 stars; one submission).

Allele frequency attached by ClinVar (database versions not stated): ExAC 0.00002; gnomAD exomes 0.00005; gnomAD 0.00007; 1000 Genomes Project 30x 0.00016; 1000 Genomes Project 0.00020.
gnomAD v4.1: 81 of 1,613,630 alleles (0.005%); highest among the groups gnomAD compares: East Asian, 0.036%; no homozygotes.

Submission:

CeGaT Center for Human Genetics Tuebingen
Classification: Likely benign. Last evaluated: 2022-11-01. Review status: criteria provided, single submitter. Criteria: CeGaT Center For Human Genetics Tuebingen Variant Classification Criteria Version 2. Collection method: clinical testing. Allele origin: germline. Affected: yes. Observed: 1 variant allele.
Comment: SH3BP4: BP4, BP7